The following is an entry in ClinVar:

ClinVar aggregate classification (germline): Benign. Review status: criteria provided, multiple submitters, no conflicts (2 of 4 stars). 2 submissions from 2 submitters: Benign (2). Last evaluated 2018-06-16.

Allele frequency attached by ClinVar (database versions not stated): 1000 Genomes Project 0.31869; 1000 Genomes Project 30x 0.33323; gnomAD 0.37475 and 0.38657; TOPMed 0.38619; ESP Exome Variant Server 0.39597.
gnomAD v4.1: 442,917 of 1,346,014 alleles (33%); highest among the groups gnomAD compares: African/African-American, 55%; 76,973 homozygotes.

Submissions (2):

GeneDx
Classification: Benign. Last evaluated: 2018-06-16. Review status: criteria provided, single submitter. Criteria: GeneDx Variant Classification (06012015). Collection method: clinical testing. Allele origin: germline. Affected: yes.
Comment: This variant is considered likely benign or benign based on one or more of the following criteria: it is a conservative change, it occurs at a poorly conserved position in the protein, it is predicted to be benign by multiple in silico algorithms, and/or has population frequency not consistent with disease.

Breakthrough Genomics
Classification: Benign. Review status: criteria provided, single submitter. Criteria: ACMG Guidelines, 2015. Collection method: not provided. Allele origin: germline. Inheritance: Autosomal recessive inheritance. Affected: yes.

NM_000016.6(ACADM):c.30+67C>G

Genes: ACADM (acyl-CoA dehydrogenase medium chain; plus strand), LOC129930773 (ATAC-STARR-seq lymphoblastoid active region 1204; plus strand). Cytogenetic location: 1p31.1.
Variant type: single nucleotide variant.
Coding change: c.30+67C>G on transcript NM_000016.6 (MANE Select); 67 bases into the intron after coding-DNA position 30, C replaced by G.
Molecular consequence: intron variant.
Genome position (GRCh38, 1-based): chr1:75,724,884, C>G. VCF-style: chr1-75724884-C-G. GRCh37 (hg19) VCF-style: chr1-76190569-C-G.
Other names: c.30+67C>G (NM_001127328.3, NM_001286043.2); c.10+67C>G (NM_001286042.2); c.-268+67C>G (NM_001286044.2).
Identifiers: ClinVar variation 676188 (VCV000676188.2), dbSNP rs1251075, ClinGen allele CA10729819.